The following is an entry in ClinVar:

ClinVar aggregate classification (germline): Benign. Review status: criteria provided, multiple submitters, no conflicts (2 of 4 stars). 2 submissions from 2 submitters: Benign (2). Last evaluated 2018-06-14.

Allele frequency attached by ClinVar (database versions not stated): gnomAD exomes 0.00164; 1000 Genomes Project 0.01797; gnomAD 0.01810 and 0.01961; 1000 Genomes Project 30x 0.01905; TOPMed 0.02079.
gnomAD v4.1: 3,360 of 497,056 alleles (0.68%); highest among the groups gnomAD compares: African/African-American, 6.2%; 105 homozygotes.

Submissions (2):

GeneDx
Classification: Benign. Last evaluated: 2018-06-14. Review status: criteria provided, single submitter. Criteria: GeneDx Variant Classification (06012015). Collection method: clinical testing. Allele origin: germline. Affected: yes.
Comment: This variant is considered likely benign or benign based on one or more of the following criteria: it is a conservative change, it occurs at a poorly conserved position in the protein, it is predicted to be benign by multiple in silico algorithms, and/or has population frequency not consistent with disease.

Breakthrough Genomics
Classification: Benign. Review status: criteria provided, single submitter. Criteria: ACMG Guidelines, 2015. Collection method: not provided. Allele origin: germline. Inheritance: Autosomal dominant inheritance. Affected: yes.

NM_001035.3(RYR2):c.13914-122A>C

Gene: RYR2 (ryanodine receptor 2; plus strand). Cytogenetic location: 1q43.
Variant type: single nucleotide variant.
Coding change: c.13914-122A>C on transcript NM_001035.3 (MANE Select); 122 bases into the intron before coding-DNA position 13914, A replaced by C.
Molecular consequence: intron variant.
Genome position (GRCh38, 1-based): chr1:237,795,167, A>C. VCF-style: chr1-237795167-A-C. GRCh37 (hg19) VCF-style: chr1-237958467-A-C.
Identifiers: ClinVar variation 673753 (VCV000673753.2), dbSNP rs115093505, ClinGen allele CA39834134.
Genomic context (GRCh38, chr1:237,795,167, plus strand): 5'-AAAATAATATTCAAATACCTATGATGCAGGAAATTATGTGATGTTAGCCAAATTCATTGT[A>C]AGTTTACGTGGCAGGATATATGTTTACATATTATTTTAAGTATGCCATATATCCCAAATG-3'